The following is an entry in ClinVar:

NM_001372.4(DNAH9):c.5195G>A (p.Gly1732Asp)

Gene: DNAH9 (dynein axonemal heavy chain 9; plus strand). Cytogenetic location: 17p12.
Variant type: single nucleotide variant.
Coding change: c.5195G>A on transcript NM_001372.4 (MANE Select); coding-DNA position 5195, G replaced by A.
Protein change: p.Gly1732Asp; replaces glycine 1732 with aspartic acid.
Molecular consequence: missense variant.
Genome position (GRCh38, 1-based): chr17:11,704,246, G>A. VCF-style: chr17-11704246-G-A. GRCh37 (hg19) VCF-style: chr17-11607563-G-A.
Other names: short protein forms G1732D.
Identifiers: ClinVar variation 1050156 (VCV001050156.5), dbSNP rs202049568, ClinGen allele CA8395950.
Genomic context (GRCh38, chr17:11,704,246, plus strand): 5'-AACTCTTGCTGCCACAGGTGGCCCTGACCTGTACTCAGATCTGGTGGACAACAGAAGTGG[G>A]CATGGCATTTGCCAGGCTGGAGGAAGGCTATGAGAGTGCCATGAAGGACTATTATAAGAA-3'
Protein context (NP_001363.2, residues 1722-1742): CTQIWWTTEV[Gly1732Asp]MAFARLEEGY

ClinVar aggregate classification (germline): Uncertain significance. Review status: criteria provided, multiple submitters, no conflicts (2 of 4 stars). 3 submissions from 3 submitters: Uncertain significance (2). 1 of the submissions does not count toward it. Last evaluated 2024-11-11.

Allele frequency attached by ClinVar (database versions not stated): gnomAD 0.00003 and 0.00004; TOPMed 0.00006; gnomAD exomes 0.00008 and 0.00013; ExAC 0.00013.
gnomAD v4.1: 125 of 1,614,032 alleles (0.0077%); highest among the groups gnomAD compares: Middle Eastern, 0.099%; no homozygotes.

Submissions (3):

Blueprint Genetics
Classification: Uncertain significance. Last evaluated: 2024-11-11. Review status: criteria provided, single submitter. Criteria: ACMG Guidelines, 2015. Collection method: clinical testing. Allele origin: germline.

Labcorp Genetics (formerly Invitae), Labcorp
Classification: Uncertain significance. Last evaluated: 2022-10-24. Review status: criteria provided, single submitter. Criteria: Invitae Variant Classification Sherloc (09022015). Collection method: clinical testing. Allele origin: germline.
Comment: This sequence change replaces glycine, which is neutral and non-polar, with aspartic acid, which is acidic and polar, at codon 1732 of the DNAH9 protein (p.Gly1732Asp). This variant is present in population databases (rs202049568, gnomAD 0.04%). This variant has not been reported in the literature in individuals affected with DNAH9-related conditions. ClinVar contains an entry for this variant (Variation ID: 1050156). Advanced modeling of protein sequence and biophysical properties (such as structural, functional, and spatial information, amino acid conservation, physicochemical variation, residue mobility, and thermodynamic stability) performed at Invitae indicates that this missense variant is not expected to disrupt DNAH9 protein function. In summary, the available evidence is currently insufficient to determine the role of this variant in disease. Therefore, it has been classified as a Variant of Uncertain Significance.

Department of Pathology and Laboratory Medicine, Sinai Health System
Classification: Uncertain significance. Review status: no assertion criteria provided. Collection method: clinical testing. Allele origin: unknown. Affected: yes. Study: The Canadian Open Genetics Repository (COGR). Not counted in ClinVar's aggregate classification.
Comment: The DNAH9 p.G1732D variant was not identified in the literature nor was it identified in ClinVar. The variant was identified in dbSNP (ID: rs202049568) and in control databases in 34 of 282738 chromosomes at a frequency of 0.0001203 (Genome Aggregation Database March 6, 2019, v2.1.1). The variant was observed in the following populations: Latino in 15 of 35440 chromosomes (freq: 0.000423), Other in 3 of 7218 chromosomes (freq: 0.000416), European (non-Finnish) in 15 of 129068 chromosomes (freq: 0.000116) and South Asian in 1 of 30612 chromosomes (freq: 0.000033), but was not observed in the African, Ashkenazi Jewish, East Asian, or European (Finnish) populations. The p.G1732 residue is conserved in mammals but not in more distantly related organisms however computational analyses (PolyPhen-2, SIFT, MutationTaster, Revel, FATHMM, MetaLR, DANN) do not suggest a high likelihood of impact to the protein; this information is not predictive enough to rule out pathogenicity. The variant occurs outside of the splicing consensus sequence and in silico or computational prediction software programs (Splice AI exome) do not predict a difference in splicing. In summary, based on the above information the clinical significance of this variant cannot be determined with certainty at this time. This variant is classified as a variant of uncertain significance.